The following is an entry in ClinVar:

ClinVar aggregate classification (germline): Conflicting classifications of pathogenicity. Review status: criteria provided, conflicting classifications (1 of 4 stars). 4 submissions from 4 submitters: Uncertain significance (2); Likely benign (2). Last evaluated 2024-05-15.

Conditions:
Inborn genetic diseases. Identifiers: MedGen C0950123, MeSH D030342.
Mitochondrial complex IV deficiency, nuclear type 7. Also called: Mitochondrial complex 4 deficiency, nuclear type 7. Identifiers: MedGen C5436685, MONDO:0033637, OMIM 619051.

Allele frequency attached by ClinVar (database versions not stated): gnomAD 0.00001 and 0.00004; TOPMed 0.00001; gnomAD exomes 0.00002 and 0.00007; ExAC 0.00007.
gnomAD v4.1: 38 of 1,614,110 alleles (0.0024%); highest among the groups gnomAD compares: East Asian, 0.029%; no homozygotes.

Submissions (4):

Fulgent Genetics
Classification: Uncertain significance for Mitochondrial complex IV deficiency, nuclear type 7. Last evaluated: 2024-05-15. Review status: criteria provided, single submitter. Criteria: ACMG Guidelines, 2015. Collection method: clinical testing. Allele origin: germline.

Blueprint Genetics
Classification: Likely benign. Last evaluated: 2023-09-05. Review status: criteria provided, single submitter. Criteria: ACMG Guidelines, 2015. Collection method: clinical testing. Allele origin: germline.

Ambry Genetics
Classification: Likely benign for Inborn genetic diseases. Last evaluated: 2023-03-22. Review status: criteria provided, single submitter. Criteria: Ambry Variant Classification Scheme 2023. Collection method: clinical testing. Allele origin: germline.

Labcorp Genetics (formerly Invitae), Labcorp
Classification: Uncertain significance. Last evaluated: 2022-07-18. Review status: criteria provided, single submitter. Criteria: Invitae Variant Classification Sherloc (09022015). Collection method: clinical testing. Allele origin: germline.
Comment: This sequence change replaces threonine, which is neutral and polar, with isoleucine, which is neutral and non-polar, at codon 67 of the COX6B1 protein (p.Thr67Ile). This variant is present in population databases (rs377025450, gnomAD 0.06%). This variant has not been reported in the literature in individuals affected with COX6B1-related conditions. ClinVar contains an entry for this variant (Variation ID: 1392701). Algorithms developed to predict the effect of missense changes on protein structure and function output the following: SIFT: "Tolerated"; PolyPhen-2: "Benign"; Align-GVGD: "Class C0". The isoleucine amino acid residue is found in multiple mammalian species, which suggests that this missense change does not adversely affect protein function. In summary, the available evidence is currently insufficient to determine the role of this variant in disease. Therefore, it has been classified as a Variant of Uncertain Significance.

NM_001863.5(COX6B1):c.200C>T (p.Thr67Ile)

Gene: COX6B1 (cytochrome c oxidase subunit 6B1; plus strand). Cytogenetic location: 19q13.12.
Variant type: single nucleotide variant.
Coding change: c.200C>T on transcript NM_001863.5 (MANE Select); coding-DNA position 200, C replaced by T.
Protein change: p.Thr67Ile; replaces threonine 67 with isoleucine.
Molecular consequence: missense variant.
Genome position (GRCh38, 1-based): chr19:35,654,664, C>T. VCF-style: chr19-35654664-C-T. GRCh37 (hg19) VCF-style: chr19-36145566-C-T.
Other names: c.200C>T (NM_001863.4); short protein forms T67I.
Identifiers: ClinVar variation 1392701 (VCV001392701.10), dbSNP rs377025450, ClinGen allele CA9383163.